The following is an entry in ClinVar:

ClinVar aggregate classification (germline): Uncertain significance (1 of 4 stars; one submission).

Conditions:
Martsolf syndrome (MARTS). Also called: Congenital cataract with intellectual disability and hypogonadotropic hypogonadism syndrome. Identifiers: Orphanet 1387, MedGen C0796037, MONDO:0023910.
Warburg micro syndrome 2 (WARBM2). Also called: MICRO SYNDROME 2. Identifiers: Orphanet 2510, MedGen C3280214, MONDO:0013641, OMIM 614225.

gnomAD v4.1: 13 of 1,614,028 alleles (0.00081%); highest among the groups gnomAD compares: Non-Finnish European, 0.001%; no homozygotes.

Submission:

Labcorp Genetics (formerly Invitae), Labcorp
Classification: Uncertain significance for Martsolf syndrome; Warburg micro syndrome 2. Last evaluated: 2024-02-17. Review status: criteria provided, single submitter. Criteria: Invitae Variant Classification Sherloc (09022015). Collection method: clinical testing. Allele origin: germline.
Comment: This sequence change replaces cysteine, which is neutral and slightly polar, with arginine, which is basic and polar, at codon 395 of the RAB3GAP2 protein (p.Cys395Arg). This variant is not present in population databases (gnomAD no frequency). This variant has not been reported in the literature in individuals affected with RAB3GAP2-related conditions. ClinVar contains an entry for this variant (Variation ID: 1508073). Advanced modeling of protein sequence and biophysical properties (such as structural, functional, and spatial information, amino acid conservation, physicochemical variation, residue mobility, and thermodynamic stability) performed at Invitae indicates that this missense variant is expected to disrupt RAB3GAP2 protein function with a positive predictive value of 80%. In summary, the available evidence is currently insufficient to determine the role of this variant in disease. Therefore, it has been classified as a Variant of Uncertain Significance.

NM_012414.4(RAB3GAP2):c.1183T>C (p.Cys395Arg)

Gene: RAB3GAP2 (RAB3 GTPase activating non-catalytic protein subunit 2; minus strand). Cytogenetic location: 1q41.
Variant type: single nucleotide variant.
Coding change: c.1183T>C on transcript NM_012414.4 (MANE Select); coding-DNA position 1183, T replaced by C.
Protein change: p.Cys395Arg; replaces cysteine 395 with arginine.
Molecular consequence: missense variant.
Genome position (GRCh38, 1-based): chr1:220,193,327, A>G on the plus strand (T>C on the coding strand, the complement: RAB3GAP2 is on the minus strand). VCF-style: chr1-220193327-A-G. GRCh37 (hg19) VCF-style: chr1-220366669-A-G.
Other names: short protein forms C395R.
Identifiers: ClinVar variation 1508073 (VCV001508073.8), dbSNP rs2102870921, ClinGen allele CA344645983.